The following is an entry in ClinVar:

ClinVar aggregate classification (germline): Pathogenic. Review status: criteria provided, multiple submitters, no conflicts (2 of 4 stars). 2 submissions from 2 submitters: Pathogenic (2). Last evaluated 2026-07-23.

Conditions:
Renal tubular acidosis with progressive nerve deafness. Also called: Distal Renal Tubular Acidosis with Progressive Sensorineural Deafness; RENAL TUBULAR ACIDOSIS, AUTOSOMAL RECESSIVE, WITH PROGRESSIVE NERVE DEAFNESS; RTA WITH PROGRESSIVE NERVE DEAFNESS; renal tubular acidosis, distal, 2, with progressive sensorineural hearing loss. Identifiers: MedGen C0403554, MONDO:0009968, OMIM 267300.

Submissions (2):

Myriad Genetics, Inc.
Classification: Pathogenic for Renal tubular acidosis with progressive nerve deafness. Last evaluated: 2026-07-23. Review status: criteria provided, single submitter. Criteria: Myriad Autosomal Dominant, Autosomal Recessive and X-Linked Classification Criteria (2023). Collection method: clinical testing. Allele origin: unknown.
Comment: NM_001692.3(ATP6V1B1):c.1241delA(N414Tfs*16) is a frameshift variant classified as pathogenic in the context of distal renal tubular acidosis with deafness, ATP6V1B1-related. N414Tfs*16 has not been observed in cases with relevant disease. Relevant functional assessments of this variant are not available in the literature. N414Tfs*16 has not been observed in referenced population frequency databases. In summary, NM_001692.3(ATP6V1B1):c.1241delA(N414Tfs*16) is a frameshift variant in a gene where loss of function is a known mechanism of disease and is predicted to disrupt protein function. Please note: this variant was assessed in the context of healthy population screening.

Labcorp Genetics (formerly Invitae), Labcorp
Classification: Pathogenic. Last evaluated: 2023-03-15. Review status: criteria provided, single submitter. Criteria: Invitae Variant Classification Sherloc (09022015). Collection method: clinical testing. Allele origin: germline.
Comment: For these reasons, this variant has been classified as Pathogenic. ClinVar contains an entry for this variant (Variation ID: 2009682). This variant has not been reported in the literature in individuals affected with ATP6V1B1-related conditions. This variant is not present in population databases (gnomAD no frequency). This sequence change creates a premature translational stop signal (p.Asn414Thrfs*16) in the ATP6V1B1 gene. It is expected to result in an absent or disrupted protein product. Loss-of-function variants in ATP6V1B1 are known to be pathogenic (PMID: 9916796, 18368028).

Literature cited by the submitters: PubMed 9916796 (cited by Labcorp Genetics (formerly Invitae), Labcorp); PubMed 18368028 (cited by Labcorp Genetics (formerly Invitae), Labcorp).

NM_001692.4(ATP6V1B1):c.1241del (p.Asn414fs)

Gene: ATP6V1B1 (ATPase H+ transporting V1 subunit B1; plus strand). Cytogenetic location: 2p13.3.
Variant type: Deletion.
Coding change: c.1241del on transcript NM_001692.4 (MANE Select); coding-DNA position 1241, one base deleted (A; older notation c.1241delA).
Protein change: p.Asn414fs; shifts the reading frame from asparagine 414.
Molecular consequence: frameshift variant.
Genome position (GRCh38, 1-based): chr2:70,964,535, A deleted; the last of 2 consecutive A bases (chr2:70,964,534-70,964,535); deleting either gives the same sequence. VCF-style (leftmost placement, unchanged base first): chr2-70964533-CA-C. GRCh37 (hg19) VCF-style: chr2-71191663-CA-C.
Other names: short protein forms N414fs.
Identifiers: ClinVar variation 2009682 (VCV002009682.5), dbSNP rs2466306243, ClinGen allele CA2580067758.
Genomic context (GRCh38, chr2:70,964,533, plus strand): 5'-GCGGCTGATGAAGTCAGCCATTGGGGAAGGCATGACAAGAAAGGACCATGGAGATGTCTC[CA>C]ACCAGCTGGTAAGGAGAAGAGGGTCCGGGGGCTGGTAGGTCCTCTAGTTTCCGAAGCTGA-3'